The following is an entry in ClinVar:

NM_000257.4(MYH7):c.4076G>T (p.Arg1359Leu)

Gene: MYH7 (myosin heavy chain 7; minus strand). Cytogenetic location: 14q11.2.
Variant type: single nucleotide variant.
Coding change: c.4076G>T on transcript NM_000257.4 (MANE Select); coding-DNA position 4076, G replaced by T.
Protein change: p.Arg1359Leu; replaces arginine 1359 with leucine.
Molecular consequence: missense variant.
Genome position (GRCh38, 1-based): chr14:23,418,303, C>A on the plus strand (G>T on the coding strand, the complement: MYH7 is on the minus strand). VCF-style: chr14-23418303-C-A. GRCh37 (hg19) VCF-style: chr14-23887512-C-A.
Other names: short protein forms R1359L.
Identifiers: ClinVar variation 1499358 (VCV001499358.8), dbSNP rs750836033, ClinGen allele CA389041011.

ClinVar aggregate classification (germline): Uncertain significance (1 of 4 stars; one submission).

Conditions:
Hypertrophic cardiomyopathy. Also called: HYPERTROPHIC MYOCARDIOPATHY. Identifiers: Orphanet 217569, MedGen C0007194, MeSH D002312, MONDO:0005045, HP:0001639.

gnomAD v4.1: 1 of 1,613,612 alleles (0.000062%); highest among the groups gnomAD compares: Non-Finnish European, 0.000085%; no homozygotes.

Submission:

Labcorp Genetics (formerly Invitae), Labcorp
Classification: Uncertain significance for Hypertrophic cardiomyopathy. Last evaluated: 2021-01-30. Review status: criteria provided, single submitter. Criteria: Invitae Variant Classification Sherloc (09022015). Collection method: clinical testing. Allele origin: germline.
Comment: In summary, the available evidence is currently insufficient to determine the role of this variant in disease. Therefore, it has been classified as a Variant of Uncertain Significance. This variant disrupts the p.Arg1359 amino acid residue in MYH7. Other variant(s) that disrupt this residue have been observed in individuals with MYH7-related conditions (PMID: 28790153, Invitae), which suggests that this may be a clinically significant amino acid residue. Algorithms developed to predict the effect of missense changes on protein structure and function are either unavailable or do not agree on the potential impact of this missense change (SIFT: "Deleterious"; PolyPhen-2: "Probably Damaging"; Align-GVGD: "Class C0"). This variant has not been reported in the literature in individuals with MYH7-related conditions. This variant is not present in population databases (ExAC no frequency). This sequence change replaces arginine with leucine at codon 1359 of the MYH7 protein (p.Arg1359Leu). The arginine residue is highly conserved and there is a moderate physicochemical difference between arginine and leucine.

Literature cited by the submitters: PubMed 28790153.